The following is an entry in ClinVar:

ClinVar aggregate classification (germline): Conflicting classifications of pathogenicity. Review status: criteria provided, conflicting classifications (1 of 4 stars). 2 submissions from 2 submitters: Likely pathogenic (1); Uncertain significance (1). Last evaluated 2025-08-01.

Conditions:
Hypertrophic cardiomyopathy 1 (CMH1). Also called: MYH7-Related Familial Hypertrophic Cardiomyopathy; Familial hypertrophic cardiomyopathy 1. Identifiers: MedGen C3495498, MONDO:0008647, OMIM 192600.
Hypertrophic cardiomyopathy. Also called: HYPERTROPHIC MYOCARDIOPATHY. Identifiers: Orphanet 217569, MedGen C0007194, MeSH D002312, MONDO:0005045, HP:0001639.

Submissions (2):

3billion
Classification: Likely pathogenic for Hypertrophic cardiomyopathy 1. Last evaluated: 2025-08-01. Review status: criteria provided, single submitter. Criteria: ACMG Guidelines, 2015. Collection method: clinical testing. Allele origin: germline. Affected: yes.
Comment: The variant is not observed in the gnomAD v4.1.0 dataset. Predicted Consequence/Location: The variant is located in a mutational hot spot and/or well-established functional domain in which established pathogenic variants have been reported (PMID: 29300372). In silico tool predictions suggest damaging effect of the variant on gene or gene product [REVEL: 0.80 (>=0.6, sensitivity 0.68 and specificity 0.92); 3Cnet: 0.99 (> 0.75, sensitivity 0.96 and precision 0.92)]. The same nucleotide change resulting in the same amino acid change has been previously reported to be associated with MYH7-related disorder (ClinVar ID: VCV000525016 /PMID: 31006259 /3billion dataset).A different missense change at the same codon (p.Val606Met) has been reported as pathogenic/likely pathogenic with strong evidence (ClinVar ID: VCV000014091 /PMID: 1552912). Therefore, this variant is classified as Likely pathogenic according to the recommendation of ACMG/AMP guideline.

Labcorp Genetics (formerly Invitae), Labcorp
Classification: Uncertain significance for Hypertrophic cardiomyopathy. Last evaluated: 2017-10-17. Review status: criteria provided, single submitter. Criteria: Invitae Variant Classification Sherloc (09022015). Collection method: clinical testing. Allele origin: germline.
Comment: In summary, the available evidence is currently insufficient to determine the role of this variant in disease. Therefore, it has been classified as a Variant of Uncertain Significance. A different missense substitution at this codon (p.Val606Met) has been determined to be pathogenic (PMID: 27532257, 1552912, 9172070, 18020371). This suggests that the valine residue is critical for MYH7 protein function and that other missense substitutions at this position may also be pathogenic. A computational algorithm designed to assess the pathogenicity of variants in MYH7 with regard to hypertrophic cardiomyopathy predicted this sequence change to be deleterious. The algorithm has a sensitivity of 94% and a specificity of 89% (PMID: 21310275). This variant has not been reported in the literature in individuals with MYH7-related disease. It has, however, been reported in an unaffected individual (PMID: 24704860). This variant is not present in population databases (ExAC no frequency). This sequence change replaces valine with leucine at codon 606 of the MYH7 protein (p.Val606Leu). The valine residue is highly conserved and there is a small physicochemical difference between valine and leucine.

Literature cited by the submitters: PubMed 31006259 (cited by 3billion); PubMed 1552912 (cited by 3billion and Labcorp Genetics (formerly Invitae), Labcorp); PubMed 27532257 (cited by Labcorp Genetics (formerly Invitae), Labcorp); PubMed 9172070 (cited by Labcorp Genetics (formerly Invitae), Labcorp); PubMed 18020371 (cited by Labcorp Genetics (formerly Invitae), Labcorp); PubMed 21310275 (cited by Labcorp Genetics (formerly Invitae), Labcorp); PubMed 24704860 (cited by Labcorp Genetics (formerly Invitae), Labcorp).

NM_000257.4(MYH7):c.1816G>T (p.Val606Leu)

Gene: MYH7 (myosin heavy chain 7; minus strand). Cytogenetic location: 14q11.2.
Variant type: single nucleotide variant.
Coding change: c.1816G>T on transcript NM_000257.4 (MANE Select); coding-DNA position 1816, G replaced by T.
Protein change: p.Val606Leu; replaces valine 606 with leucine.
Molecular consequence: missense variant.
Genome position (GRCh38, 1-based): chr14:23,427,657, C>A on the plus strand (G>T on the coding strand, the complement: MYH7 is on the minus strand). VCF-style: chr14-23427657-C-A. GRCh37 (hg19) VCF-style: chr14-23896866-C-A.
Other names: short protein forms V606L.
Identifiers: ClinVar variation 525016 (VCV000525016.10), dbSNP rs121913627, ClinGen allele CA389049756.
Genomic context (GRCh38, chr14:23,427,657, plus strand): 5'-CAGCATAGTTGGCAAACAGGGTGCTGAGCAGCTTGAGGGAAGACTTCTGATACAAGCCCA[C>A]GACAGTCTCATTGAGAGGATCCTTGTTCTTCTGCAGCCAGCCAATGATGTTGTAGTCCAC-3'
Protein context (NP_000248.2, residues 596-616): KNKDPLNETV[Val606Leu]GLYQKSSLKL